The following is an entry in ClinVar:

NM_001164508.2(NEB):c.16762T>A (p.Ser5588Thr)

Gene: NEB (nebulin; minus strand). Cytogenetic location: 2q23.3.
Variant type: single nucleotide variant.
Coding change: c.16762T>A on transcript NM_001164508.2 (MANE Select); coding-DNA position 16762, T replaced by A.
Protein change: p.Ser5588Thr; replaces serine 5588 with threonine.
Molecular consequence: missense variant.
Genome position (GRCh38, 1-based): chr2:151,576,297, A>T on the plus strand (T>A on the coding strand, the complement: NEB is on the minus strand). VCF-style: chr2-151576297-A-T. GRCh37 (hg19) VCF-style: chr2-152432811-A-T.
Other names: c.16762T>A, p.Ser5588Thr (NM_001164507.2, NM_001271208.2); c.11659T>A, p.Ser3887Thr (NM_004543.5); short protein forms S5588T, S3887T.
Identifiers: ClinVar variation 129710 (VCV000129710.27), dbSNP rs35227368, ClinGen allele CA153892.

ClinVar aggregate classification (germline): Benign. Review status: criteria provided, multiple submitters, no conflicts (2 of 4 stars). 9 submissions from 9 submitters: Benign (7). 2 of the submissions do not count toward it. Last evaluated 2026-02-04.

Conditions:
Nemaline myopathy 2 (NEM2). Also called: Nemaline myopathy 2, autosomal recessive. Identifiers: MedGen C1850569, MONDO:0009725, OMIM 256030.

Allele frequency attached by ClinVar (database versions not stated): gnomAD exomes 0.01245 and 0.02818; ExAC 0.03069; ESP Exome Variant Server 0.03166; gnomAD 0.03610 and 0.03808; TOPMed 0.04024; 1000 Genomes Project 30x 0.07589; 1000 Genomes Project 0.07788.
gnomAD v4.1: 24,616 of 1,609,038 alleles (1.5%); highest among the groups gnomAD compares: East Asian, 14%; 1,208 homozygotes.

Submissions (9):

Labcorp Genetics (formerly Invitae), Labcorp
Classification: Benign for Nemaline myopathy 2. Last evaluated: 2026-02-04. Review status: criteria provided, single submitter. Criteria: Invitae Variant Classification Sherloc (09022015). Collection method: clinical testing. Allele origin: germline.

Mayo Clinic Laboratories, Mayo Clinic
Classification: Benign. Last evaluated: 2018-03-01. Review status: criteria provided, single submitter. Criteria: ACMG Guidelines, 2015. Collection method: clinical testing. Allele origin: germline. Observed: 22 variant alleles.

Illumina Laboratory Services, Illumina
Classification: Benign for Nemaline myopathy 2. Last evaluated: 2018-01-13. Review status: criteria provided, single submitter. Criteria: ICSL Variant Classification Criteria 13 December 2019. Collection method: clinical testing. Allele origin: germline.
Comment: This variant was observed in the ICSL laboratory as part of a predisposition screen in an ostensibly healthy population. It had not been previously curated by ICSL or reported in the Human Gene Mutation Database (HGMD: prior to June 1st, 2018), and was therefore a candidate for classification through an automated scoring system. Utilizing variant allele frequency, disease prevalence and penetrance estimates, and inheritance mode, an automated score was calculated to assess if this variant is too frequent to cause the disease. Based on the score and internal cut-off values, a variant classified as benign is not then subjected to further curation. The score for this variant resulted in a classification of benign for this disease.

GeneDx
Classification: Benign. Last evaluated: 2016-04-04. Review status: criteria provided, single submitter. Criteria: GeneDx Variant Classification (06012015). Collection method: clinical testing. Allele origin: germline. Affected: yes.
Comment: This variant is considered likely benign or benign based on one or more of the following criteria: it is a conservative change, it occurs at a poorly conserved position in the protein, it is predicted to be benign by multiple in silico algorithms, and/or has population frequency not consistent with disease.

PreventionGenetics, part of Exact Sciences
Classification: Benign. Last evaluated: 2016-03-04. Review status: criteria provided, single submitter. Criteria: ACMG Guidelines, 2015. Collection method: clinical testing. Allele origin: germline.

Laboratory for Molecular Medicine, Mass General Brigham Personalized Medicine
Classification: Benign. Last evaluated: 2014-11-26. Review status: criteria provided, single submitter. Criteria: LMM Criteria. Collection method: clinical testing. Allele origin: germline. Observed: 1 variant allele.
Comment: p.Ser5588Thr in exon 106 of NEB: This variant is not expected to have clinical s ignificance because it has been identified in 9.4% (358/3806) of African America n chromosomes by the NHLBI Exome Sequencing Project (u/EVS/; dbSNP rs35227368).

Breakthrough Genomics
Classification: Benign. Review status: criteria provided, single submitter. Criteria: ACMG Guidelines, 2015. Collection method: not provided. Allele origin: germline. Inheritance: Autosomal recessive inheritance. Affected: yes.

Natera, Inc.
Classification: Benign for Nemaline myopathy type 2. Last evaluated: 2020-09-16. Review status: no assertion criteria provided. Collection method: clinical testing. Allele origin: germline. Not counted in ClinVar's aggregate classification.

Genetic Services Laboratory, University of Chicago
Classification: Likely benign for AllHighlyPenetrant. Review status: no assertion criteria provided. Collection method: clinical testing. Allele origin: germline. Inheritance: Autosomal recessive inheritance. Not counted in ClinVar's aggregate classification.
Comment: Likely benign based on allele frequency in 1000 Genomes Project or ESP global frequency and its presence in a patient with a rare or unrelated disease phenotype. NOT Sanger confirmed.